The following is an entry in ClinVar:

ClinVar aggregate classification (germline): Conflicting classifications of pathogenicity. Review status: criteria provided, conflicting classifications (1 of 4 stars). 3 submissions from 3 submitters: Uncertain significance (2); Likely benign (1). Last evaluated 2026-06-16.

Conditions:
Pseudohypoaldosteronism type 2C (PHA2C). Also called: Pseudohypoaldosteronism Type IIC. Identifiers: Orphanet 757, Orphanet 88940, MedGen C1840391, MONDO:0013778, OMIM 614492.
Neuropathy, hereditary sensory and autonomic, type 2A (HSAN2A). Also called: HSAN IIA; ACROOSTEOLYSIS, GIACCAI TYPE; ACROOSTEOLYSIS, NEUROGENIC; MORVAN DISEASE; NEUROPATHY, CONGENITAL SENSORY; NEUROPATHY, HEREDITARY SENSORY RADICULAR, AUTOSOMAL RECESSIVE. Identifiers: Orphanet 970, MedGen C2752089, MONDO:0024309, OMIM 201300.

Allele frequency attached by ClinVar (database versions not stated): 1000 Genomes Project 30x 0.00016; gnomAD 0.00004 and 0.00003; gnomAD exomes 0.00007; 1000 Genomes Project 0.00020; TOPMed 0.00003; ExAC 0.00006.
gnomAD v4.1: 51 of 1,612,638 alleles (0.0032%); highest among the groups gnomAD compares: East Asian, 0.045%; no homozygotes.

Submissions (3):

Women's Health and Genetics/Laboratory Corporation of America, LabCorp
Classification: Uncertain significance. Last evaluated: 2026-06-16. Review status: criteria provided, single submitter. Criteria: LabCorp Variant Classification Summary - May 2015. Collection method: clinical testing. Allele origin: germline.
Comment: Variant summary: WNK1 c.296C>T (p.Pro99Leu) results in a non-conservative amino acid change in the encoded protein sequence. Algorithms developed to predict the effect of missense changes on protein structure and function are either unavailable or do not agree on the potential impact of this missense change. The variant allele was found at a frequency of 7e-05 in 242962 control chromosomes. This frequency is not significantly higher than estimated for disease-causing variants in WNK1, allowing no conclusion about variant significance. To our knowledge, no occurrence of c.296C>T in individuals affected with WNK1-related conditions and no experimental evidence demonstrating its impact on protein function have been reported. ClinVar contains an entry for this variant (Variation ID: 310542). Based on the evidence outlined above, the variant was classified as uncertain significance.

Labcorp Genetics (formerly Invitae), Labcorp
Classification: Uncertain significance for Neuropathy, hereditary sensory and autonomic, type 2A; Pseudohypoaldosteronism type 2C. Last evaluated: 2026-01-14. Review status: criteria provided, single submitter. Criteria: Invitae Variant Classification Sherloc (09022015). Collection method: clinical testing. Allele origin: germline.
Comment: This sequence change replaces proline, which is neutral and non-polar, with leucine, which is neutral and non-polar, at codon 99 of the WNK1 protein (p.Pro99Leu). This variant is present in population databases (rs560595238, gnomAD 0.06%). This variant has not been reported in the literature in individuals affected with WNK1-related conditions. ClinVar contains an entry for this variant (Variation ID: 310542). Invitae Evidence Modeling of protein sequence and biophysical properties (such as structural, functional, and spatial information, amino acid conservation, physicochemical variation, residue mobility, and thermodynamic stability) indicates that this missense variant is not expected to disrupt WNK1 protein function with a negative predictive value of 95%. In summary, the available evidence is currently insufficient to determine the role of this variant in disease. Therefore, it has been classified as a Variant of Uncertain Significance.

Illumina Laboratory Services, Illumina
Classification: Likely benign for Pseudohypoaldosteronism type 2C. Last evaluated: 2018-01-13. Review status: criteria provided, single submitter. Criteria: ICSL Variant Classification Criteria 13 December 2019. Collection method: clinical testing. Allele origin: germline.
Comment: This variant was observed in the ICSL laboratory as part of a predisposition screen in an ostensibly healthy population. It had not been previously curated by ICSL or reported in the Human Gene Mutation Database (HGMD: prior to June 1st, 2018), and was therefore a candidate for classification through an automated scoring system. Utilizing variant allele frequency, disease prevalence and penetrance estimates, and inheritance mode, an automated score was calculated to assess if this variant is too frequent to cause the disease. Based on the score and internal cut-off values, a variant classified as likely benign is not then subjected to further curation. The score for this variant resulted in a classification of likely benign for this disease.

NM_018979.4(WNK1):c.296C>T (p.Pro99Leu)

Gene: WNK1 (WNK lysine deficient protein kinase 1; plus strand). Cytogenetic location: 12p13.33.
Variant type: single nucleotide variant.
Coding change: c.296C>T on transcript NM_018979.4 (MANE Select); coding-DNA position 296, C replaced by T.
Protein change: p.Pro99Leu; replaces proline 99 with leucine.
Molecular consequence: missense variant.
Genome position (GRCh38, 1-based): chr12:753,861, C>T. VCF-style: chr12-753861-C-T. GRCh37 (hg19) VCF-style: chr12-863027-C-T.
Other names: c.296C>T, p.Pro99Leu (NM_001184985.2, NM_014823.3, NM_213655.5); short protein forms P99L.
Identifiers: ClinVar variation 310542 (VCV000310542.11), dbSNP rs560595238, ClinGen allele CA6381752.